The following is an entry in ClinVar:

ClinVar aggregate classification (germline): Uncertain significance (1 of 4 stars; one submission).

Conditions:
Charcot-Marie-Tooth disease type 4. Also called: Charcot-Marie-Tooth disease, type IV; Charcot-Marie-Tooth, Type 4. Identifiers: Orphanet 64749, MedGen C4082197, MONDO:0018995.

gnomAD v4.1: 1 of 1,613,494 alleles (0.000062%); highest among the groups gnomAD compares: East Asian, 0.0022%; no homozygotes.

Submission:

Labcorp Genetics (formerly Invitae), Labcorp
Classification: Uncertain significance for Charcot-Marie-Tooth disease type 4. Last evaluated: 2022-12-06. Review status: criteria provided, single submitter. Criteria: Invitae Variant Classification Sherloc (09022015). Collection method: clinical testing. Allele origin: germline.
Comment: ClinVar contains an entry for this variant (Variation ID: 566471). In summary, the available evidence is currently insufficient to determine the role of this variant in disease. Therefore, it has been classified as a Variant of Uncertain Significance. Algorithms developed to predict the effect of missense changes on protein structure and function (SIFT, PolyPhen-2, Align-GVGD) all suggest that this variant is likely to be tolerated. This variant has not been reported in the literature in individuals affected with FIG4-related conditions. This variant is present in population databases (no rsID available, gnomAD 0.006%). This sequence change replaces arginine, which is basic and polar, with leucine, which is neutral and non-polar, at codon 197 of the FIG4 protein (p.Arg197Leu).

NM_014845.6(FIG4):c.590G>T (p.Arg197Leu)

Gene: FIG4 (FIG4 phosphoinositide 5-phosphatase; plus strand). Cytogenetic location: 6q21.
Variant type: single nucleotide variant.
Coding change: c.590G>T on transcript NM_014845.6 (MANE Select); coding-DNA position 590, G replaced by T.
Protein change: p.Arg197Leu; replaces arginine 197 with leucine.
Molecular consequence: missense variant.
Genome position (GRCh38, 1-based): chr6:109,735,242, G>T. VCF-style: chr6-109735242-G-T. GRCh37 (hg19) VCF-style: chr6-110056445-G-T.
Other names: short protein forms R197L.
Identifiers: ClinVar variation 566471 (VCV000566471.10), dbSNP rs543462663, ClinGen allele CA365219537.